The following is an entry in ClinVar:

NM_000179.3(MSH6):c.*7T>C

Gene: MSH6 (mutS homolog 6; plus strand). Cytogenetic location: 2p16.3.
Variant type: single nucleotide variant.
Coding change: c.*7T>C on transcript NM_000179.3 (MANE Select); 7 bases downstream of the stop codon, T replaced by C.
Molecular consequence: 3 prime UTR variant. On other transcripts: non-coding transcript variant (5).
Genome position (GRCh38, 1-based): chr2:47,806,867, T>C. VCF-style: chr2-47806867-T-C. GRCh37 (hg19) VCF-style: chr2-48034006-T-C.
Other names: c.*7T>C (NM_001281492.2, NM_001281493.2, NM_001281494.2 and 33 more transcripts); c.*111T>C (NM_001406800.1); c.*71T>C (NM_001406801.1, NM_001406802.1, NM_001406808.1 and 1 more transcripts).
Identifiers: ClinVar variation 3903501 (VCV003903501.1).

ClinVar aggregate classification (germline): Benign (1 of 4 stars; one submission).

Conditions:
Lynch syndrome 5 (LYNCH5). Also called: Colorectal cancer, hereditary nonpolyposis, type 5; Hereditary non-polyposis colorectal cancer, type 5. Identifiers: Orphanet 144, MedGen C1833477, MONDO:0013710, OMIM 614350. Disease mechanism: loss of function.

Submission:

Myriad Genetics, Inc.
Classification: Benign for Lynch syndrome 5. Last evaluated: 2025-01-09. Review status: criteria provided, single submitter. Criteria: Myriad Autosomal Dominant, Autosomal Recessive and X-Linked Classification Criteria (2023). Collection method: clinical testing. Allele origin: unknown.
Comment: This variant is considered benign. This variant occurs in the non-coding 3' untranslated region of the gene, and is not expected to impact protein function.